The following is an entry in ClinVar:

NM_002838.5(PTPRC):c.2490G>C (p.Leu830Phe)

Gene: PTPRC (protein tyrosine phosphatase receptor type C; plus strand). Cytogenetic location: 1q32.1.
Variant type: single nucleotide variant.
Coding change: c.2490G>C on transcript NM_002838.5 (MANE Select); coding-DNA position 2490, G replaced by C.
Protein change: p.Leu830Phe; replaces leucine 830 with phenylalanine.
Molecular consequence: missense variant.
Genome position (GRCh38, 1-based): chr1:198,741,955, G>C. VCF-style: chr1-198741955-G-C. GRCh37 (hg19) VCF-style: chr1-198711084-G-C.
Other names: c.2007G>C, p.Leu669Phe (NM_080921.4); short protein forms L830F, L669F.
Identifiers: ClinVar variation 450252 (VCV000450252.16), dbSNP rs146402228, ClinGen allele CA1315129.

ClinVar aggregate classification (germline): Uncertain significance. Review status: criteria provided, multiple submitters, no conflicts (2 of 4 stars). 7 submissions from 6 submitters: Uncertain significance (6). 1 of the submissions does not count toward it. Last evaluated 2025-05-07.

Conditions:
Immunodeficiency 105 (IMD105). Also called: Immunodeficiency 105, severe combined. Identifiers: MedGen C5677005, MONDO:0800104, OMIM 619924.
PTPRC-related disorder. Also called: PTPRC-related condition.
Inborn genetic diseases. Identifiers: MedGen C0950123, MeSH D030342.
Immunodeficiency 104. Also called: Severe Combined Immune Deficiency, Autosomal Recessive, TCell -Negative, B Cell-Positive, NK Cell-Positive, IL7R-Related; IMMUNODEFICIENCY 104, SEVERE COMBINED; Severe combined immunodeficiency, autosomal recessive, T cell-negative, B cell-positive, NK cell-positive; SCID, AUTOSOMAL RECESSIVE, T CELL-NEGATIVE, B CELL-POSITIVE, NK CELL-POSITIVE. Identifiers: MedGen C5676890, MONDO:0012163, OMIM 608971.

Allele frequency attached by ClinVar (database versions not stated): 1000 Genomes Project 0.00020; ExAC 0.00022; gnomAD exomes 0.00022; TOPMed 0.00023; gnomAD 0.00024 and 0.00026; 1000 Genomes Project 30x 0.00031; ESP Exome Variant Server 0.00031.
gnomAD v4.1: 665 of 1,612,080 alleles (0.041%); highest among the groups gnomAD compares: Non-Finnish European, 0.054%; no homozygotes.

Submissions (7):

Ambry Genetics
Classification: Uncertain significance for Inborn genetic diseases. Last evaluated: 2025-05-07. Review status: criteria provided, single submitter. Criteria: Ambry Variant Classification Scheme 2023. Collection method: clinical testing. Allele origin: germline.

Blueprint Genetics
Classification: Uncertain significance. Last evaluated: 2024-10-04. Review status: criteria provided, single submitter. Criteria: ACMG Guidelines, 2015. Collection method: clinical testing. Allele origin: germline.

Labcorp Genetics (formerly Invitae), Labcorp
Classification: Uncertain significance for Immunodeficiency 104. Last evaluated: 2022-09-19. Review status: criteria provided, single submitter. Criteria: Invitae Variant Classification Sherloc (09022015). Collection method: clinical testing. Allele origin: germline.
Comment: This sequence change replaces leucine, which is neutral and non-polar, with phenylalanine, which is neutral and non-polar, at codon 830 of the PTPRC protein (p.Leu830Phe). This variant is present in population databases (rs146402228, gnomAD 0.04%). This variant has not been reported in the literature in individuals affected with PTPRC-related conditions. ClinVar contains an entry for this variant (Variation ID: 450252). Algorithms developed to predict the effect of missense changes on protein structure and function are either unavailable or do not agree on the potential impact of this missense change (SIFT: "Deleterious"; PolyPhen-2: "Probably Damaging"; Align-GVGD: "Class C15"). In summary, the available evidence is currently insufficient to determine the role of this variant in disease. Therefore, it has been classified as a Variant of Uncertain Significance.

Center for Genomics, Ann and Robert H. Lurie Children's Hospital of Chicago
Classification: Uncertain significance for Immunodeficiency 105. Last evaluated: 2021-03-30. Review status: criteria provided, single submitter. Criteria: ACMG Guidelines, 2015. Collection method: clinical testing. Allele origin: germline.
Comment: PTPRC NM_002838.4 exon 24 p.Leu830Phe (c.2490G>C): This variant has not been reported in the literature but is present in 0.04% (59/128394) of European alleles in the Genome Aggregation Database. This variant is present in ClinVar (Variation ID:450252). Evolutionary conservation suggests that this variant may impact the protein; computational predictive tools for this variant are unclear. In summary, data on this variant is insufficient for disease classification. Therefore, the clinical significance of this variant is uncertain.

GeneDx
Classification: Uncertain significance. Last evaluated: 2020-11-12. Review status: criteria provided, single submitter. Criteria: GeneDx Variant Classification Process June 2021. Collection method: clinical testing. Allele origin: germline. Affected: yes.
Comment: In silico analysis supports that this missense variant has a deleterious effect on protein structure/function; Has not been previously published as pathogenic or benign to our knowledge

Center for Genomics, Ann and Robert H. Lurie Children's Hospital of Chicago
Classification: Uncertain significance for Immunodeficiency 104. Last evaluated: 2019-09-10. Review status: criteria provided, single submitter. Criteria: ACMG Guidelines, 2015. Collection method: clinical testing. Allele origin: germline.
Comment: the same text as in the submission from Center for Genomics, Ann and Robert H. Lurie Children's Hospital of Chicago above.

PreventionGenetics, part of Exact Sciences
Classification: Uncertain significance for PTPRC-related condition. Last evaluated: 2024-08-23. Review status: no assertion criteria provided. Collection method: clinical testing. Allele origin: germline. Not counted in ClinVar's aggregate classification.
Comment: The PTPRC c.2490G>C variant is predicted to result in the amino acid substitution p.Leu830Phe. To our knowledge, this variant has not been reported in the literature. This variant is reported in 0.046% of alleles in individuals of European (Non-Finnish) descent in gnomAD. At this time, the clinical significance of this variant is uncertain due to the absence of conclusive functional and genetic evidence.